The following is an entry in ClinVar:

ClinVar aggregate classification (germline): Likely pathogenic (1 of 4 stars; one submission).

Conditions:
Alstrom syndrome (ALMS). Identifiers: Orphanet 64, MedGen C0268425, MONDO:0008763, OMIM 203800.

Submission:

Natera, Inc.
Classification: Likely pathogenic for Alstrom syndrome. Last evaluated: 2024-03-18. Review status: criteria provided, single submitter. Criteria: Natera Variant Classification Schema (03/2026). Collection method: clinical testing. Allele origin: germline.
Comment: The c.10955_10956delAT variant in ALMS1 is a frameshift variant predicted to shift the reading frame beginning at codon 3652 and leads to a stop codon 2 codons downstream. This variant is expected to result in nonsense mediated decay, truncation, or a dysfunctional protein product. This variant is rare in the general population with a frequency below the threshold expected for the associated phenotype(s). Given the available evidence, this variant is classified as Likely Pathogenic.

NM_001378454.1(ALMS1):c.10952_10953del (p.His3651fs)

Gene: ALMS1 (ALMS1 centrosome and basal body associated protein; plus strand). Cytogenetic location: 2p13.1.
Variant type: Deletion.
Coding change: c.10952_10953del on transcript NM_001378454.1 (MANE Select); coding-DNA positions 10952 to 10953, 2 bases deleted (AT; older notation c.10952_10953delAT).
Protein change: p.His3651fs; shifts the reading frame from histidine 3651.
Molecular consequence: frameshift variant.
Genome position (GRCh38, 1-based): chr2:73,572,829-73,572,830, AT deleted. VCF-style (leftmost placement, unchanged base first): chr2-73572828-CAT-C. GRCh37 (hg19) VCF-style: chr2-73799955-CAT-C.
Other names: c.10955_10956delAT (NM_015120.4); c.10955_10956del, p.His3652fs (NM_015120.4); short protein forms H3651fs, H3652fs.
Identifiers: ClinVar variation 4815756 (VCV004815756.1).